The following is an entry in ClinVar:

NM_001377.3(DYNC2H1):c.9349G>A (p.Glu3117Lys)

Gene: DYNC2H1 (dynein cytoplasmic 2 heavy chain 1; plus strand). Cytogenetic location: 11q22.3.
Variant type: single nucleotide variant.
Coding change: c.9349G>A on transcript NM_001377.3 (MANE Select); coding-DNA position 9349, G replaced by A.
Protein change: p.Glu3117Lys; replaces glutamic acid 3117 with lysine.
Molecular consequence: missense variant.
Genome position (GRCh38, 1-based): chr11:103,223,082, G>A. VCF-style: chr11-103223082-G-A. GRCh37 (hg19) VCF-style: chr11-103093811-G-A.
Other names: c.9349G>A, p.Glu3117Lys (NM_001080463.2); short protein forms E3117K.
Identifiers: ClinVar variation 597991 (VCV000597991.17), dbSNP rs200870508, ClinGen allele CA6254659.
Genomic context (GRCh38, chr11:103,223,082, plus strand): 5'-ATTCAGTATTCCCATGTCTTGGAACGAATTCATCCTTTGGAAACTGAACAGGCAGGATTA[G>A]AATCGTAAGTGAAATATAAAATATAAACAATTCTAACCTTTATTTTCATCAGTTTGATGA-3'
Protein context (NP_001368.2, residues 3107-3127): HPLETEQAGL[Glu3117Lys]SNLKKTEDRK

ClinVar aggregate classification (germline): Uncertain significance. Review status: criteria provided, multiple submitters, no conflicts (2 of 4 stars). 6 submissions from 6 submitters: Uncertain significance (6). Last evaluated 2025-05-30.

Conditions:
Inborn genetic diseases. Identifiers: MedGen C0950123, MeSH D030342.
Jeune thoracic dystrophy. Also called: Jeune syndrome; Infantile thoracic dystrophy; Thoracic pelvic phalangeal dystrophy; Jeune's syndrome; Chondroectodermal dysplasia-like syndrome; Short-rib thoracic dysplasia. Identifiers: Orphanet 474, MedGen C0265275, MONDO:0018770.
Asphyxiating thoracic dystrophy 3. Also called: SHORT-RIB THORACIC DYSPLASIA 3 WITH OR WITHOUT POLYDACTYLY; POLYDACTYLY WITH NEONATAL CHONDRODYSTROPHY, TYPE I; SHORT-RIB THORACIC DYSPLASIA 3/6 WITH POLYDACTYLY, DIGENIC; Short rib polydactyly syndrome 2B; Saldino-Noonan Syndrome. Identifiers: Orphanet 474, Orphanet 93269, Orphanet 93270, Orphanet 93271, MedGen C0036069, MONDO:0013127, OMIM 613091.

Allele frequency attached by ClinVar (database versions not stated): ExAC 0.00003; gnomAD 0.00005 and 0.00006; gnomAD exomes 0.00005 and 0.00014; TOPMed 0.00007; ESP Exome Variant Server 0.00008.
gnomAD v4.1: 220 of 1,607,644 alleles (0.014%); highest among the groups gnomAD compares: Non-Finnish European, 0.017%; no homozygotes.

Submissions (6):

Ambry Genetics
Classification: Uncertain significance for Inborn genetic diseases. Last evaluated: 2025-05-30. Review status: criteria provided, single submitter. Criteria: Ambry Variant Classification Scheme 2023. Collection method: clinical testing. Allele origin: germline.

Blueprint Genetics
Classification: Uncertain significance. Last evaluated: 2024-09-11. Review status: criteria provided, single submitter. Criteria: ACMG Guidelines, 2015. Collection method: clinical testing. Allele origin: germline.

Labcorp Genetics (formerly Invitae), Labcorp
Classification: Uncertain significance for Jeune thoracic dystrophy. Last evaluated: 2022-05-22. Review status: criteria provided, single submitter. Criteria: Invitae Variant Classification Sherloc (09022015). Collection method: clinical testing. Allele origin: germline.
Comment: This sequence change replaces glutamic acid, which is acidic and polar, with lysine, which is basic and polar, at codon 3117 of the DYNC2H1 protein (p.Glu3117Lys). This variant is present in population databases (rs200870508, gnomAD 0.01%). This variant has not been reported in the literature in individuals affected with DYNC2H1-related conditions. ClinVar contains an entry for this variant (Variation ID: 597991). Advanced modeling of protein sequence and biophysical properties (such as structural, functional, and spatial information, amino acid conservation, physicochemical variation, residue mobility, and thermodynamic stability) performed at Invitae indicates that this missense variant is not expected to disrupt DYNC2H1 protein function. In summary, the available evidence is currently insufficient to determine the role of this variant in disease. Therefore, it has been classified as a Variant of Uncertain Significance.

Revvity Omics, Revvity
Classification: Uncertain significance for Asphyxiating thoracic dystrophy 3. Last evaluated: 2022-05-10. Review status: criteria provided, single submitter. Criteria: ACMG Guidelines, 2015. Collection method: clinical testing. Allele origin: germline.

Eurofins Ntd Llc (ga)
Classification: Uncertain significance. Last evaluated: 2018-07-13. Review status: criteria provided, single submitter. Criteria: EGL ClinVar v180209 classification definitions. Collection method: clinical testing. Allele origin: germline. Observed: 1 variant allele, 1 heterozygote.

Illumina Laboratory Services, Illumina
Classification: Uncertain significance for Asphyxiating thoracic dystrophy 3. Last evaluated: 2018-01-12. Review status: criteria provided, single submitter. Criteria: ICSL Variant Classification Criteria 13 December 2019. Collection method: clinical testing. Allele origin: germline.